The following is an entry in ClinVar:

ClinVar aggregate classification (germline): Benign. Review status: criteria provided, multiple submitters, no conflicts (2 of 4 stars). 3 submissions from 3 submitters: Benign (2). 1 of the submissions does not count toward it. Last evaluated 2018-06-27.

Conditions:
EXO1-related disorder. Also called: EXO1-related condition.

Allele frequency attached by ClinVar (database versions not stated): gnomAD 0.00969 and 0.00898; TOPMed 0.01040; ESP Exome Variant Server 0.01115; 1000 Genomes Project 0.01138; 1000 Genomes Project 30x 0.01312; gnomAD exomes 0.00232 and 0.00087; ExAC 0.00276.

Submissions (3):

Labcorp Genetics (formerly Invitae), Labcorp
Classification: Benign. Last evaluated: 2018-06-27. Review status: criteria provided, single submitter. Criteria: Invitae Variant Classification Sherloc (09022015). Collection method: clinical testing. Allele origin: germline.

Breakthrough Genomics
Classification: Benign. Review status: criteria provided, single submitter. Criteria: ACMG Guidelines, 2015. Collection method: not provided. Allele origin: germline. Inheritance: Unknown mechanism. Affected: yes.

PreventionGenetics, part of Exact Sciences
Classification: Benign for EXO1-related condition. Last evaluated: 2019-05-20. Review status: no assertion criteria provided. Collection method: clinical testing. Allele origin: germline. Not counted in ClinVar's aggregate classification.
Comment: This variant is classified as benign based on ACMG/AMP sequence variant interpretation guidelines (Richards et al. 2015 PMID: 25741868, with internal and published modifications).

NM_130398.4(EXO1):c.277A>G (p.Arg93Gly)

Gene: EXO1 (exonuclease 1; plus strand). Cytogenetic location: 1q43.
Variant type: single nucleotide variant.
Coding change: c.277A>G on transcript NM_130398.4 (MANE Select); coding-DNA position 277, A replaced by G.
Protein change: p.Arg93Gly; replaces arginine 93 with glycine.
Molecular consequence: missense variant.
Genome position (GRCh38, 1-based): chr1:241,852,407, A>G. VCF-style: chr1-241852407-A-G. GRCh37 (hg19) VCF-style: chr1-242015709-A-G.
Other names: c.277A>G, p.Arg93Gly (NM_006027.4, NM_001319224.2, NM_003686.4); c.277A>G (NM_130398.3); short protein forms R93G.
Identifiers: ClinVar variation 782400 (VCV000782400.6), dbSNP rs4149865, ClinGen allele CA1480952.